The following is an entry in ClinVar:

NM_015425.6(POLR1A):c.2509G>T (p.Ala837Ser)

Gene: POLR1A (RNA polymerase I subunit A; minus strand). Cytogenetic location: 2p11.2.
Variant type: single nucleotide variant.
Coding change: c.2509G>T on transcript NM_015425.6 (MANE Select); coding-DNA position 2509, G replaced by T.
Protein change: p.Ala837Ser; replaces alanine 837 with serine.
Molecular consequence: missense variant.
Genome position (GRCh38, 1-based): chr2:86,049,009, C>A on the plus strand (G>T on the coding strand, the complement: POLR1A is on the minus strand). VCF-style: chr2-86049009-C-A. GRCh37 (hg19) VCF-style: chr2-86276132-C-A.
Other names: c.2509G>T (NM_015425.3); short protein forms A837S.
Identifiers: ClinVar variation 3617462 (VCV003617462.3).
Genomic context (GRCh38, chr2:86,049,009, plus strand): 5'-CCCTCTGGTCCTTGCCCAGATGGGCATCCTGCCATTTTCCTCGGACCTCATCATATGATG[C>A]GGCTTCTGGCAGGTTTAATGCAGCCCTGACAGCCTAGAATGAGAACAGAAACACAGCGGA-3'
Protein context (NP_056240.2, residues 827-847): VRAALNLPEA[Ala837Ser]SYDEVRGKWQ

ClinVar aggregate classification (germline): Uncertain significance. Review status: criteria provided, multiple submitters, no conflicts (2 of 4 stars). 2 submissions from 2 submitters: Uncertain significance (2). Last evaluated 2025-05-20.

Conditions:
Inborn genetic diseases. Identifiers: MedGen C0950123, MeSH D030342.

gnomAD v4.1: 7 of 1,614,030 alleles (0.00043%); highest among the groups gnomAD compares: South Asian, 0.0022%; no homozygotes.

Submissions (2):

Ambry Genetics
Classification: Uncertain significance for Inborn genetic diseases. Last evaluated: 2025-05-20. Review status: criteria provided, single submitter. Criteria: Ambry Variant Classification Scheme 2023. Collection method: clinical testing. Allele origin: germline.

Labcorp Genetics (formerly Invitae), Labcorp
Classification: Uncertain significance. Last evaluated: 2024-11-16. Review status: criteria provided, single submitter. Criteria: Invitae Variant Classification Sherloc (09022015). Collection method: clinical testing. Allele origin: germline.
Comment: This sequence change replaces alanine, which is neutral and non-polar, with serine, which is neutral and polar, at codon 837 of the POLR1A protein (p.Ala837Ser). This variant is not present in population databases (gnomAD no frequency). This variant has not been reported in the literature in individuals affected with POLR1A-related conditions. Invitae Evidence Modeling of protein sequence and biophysical properties (such as structural, functional, and spatial information, amino acid conservation, physicochemical variation, residue mobility, and thermodynamic stability) indicates that this missense variant is not expected to disrupt POLR1A protein function with a negative predictive value of 80%. In summary, the available evidence is currently insufficient to determine the role of this variant in disease. Therefore, it has been classified as a Variant of Uncertain Significance.